The following is an entry in ClinVar:

NM_000271.5(NPC1):c.3293C>T (p.Thr1098Ile)

Gene: NPC1 (NPC intracellular cholesterol transporter 1; minus strand). Cytogenetic location: 18q11.2.
Variant type: single nucleotide variant.
Coding change: c.3293C>T on transcript NM_000271.5 (MANE Select); coding-DNA position 3293, C replaced by T.
Protein change: p.Thr1098Ile; replaces threonine 1098 with isoleucine.
Molecular consequence: missense variant.
Genome position (GRCh38, 1-based): chr18:23,535,653, G>A on the plus strand (C>T on the coding strand, the complement: NPC1 is on the minus strand). VCF-style: chr18-23535653-G-A. GRCh37 (hg19) VCF-style: chr18-21115617-G-A.
Other names: short protein forms T1098I.
Identifiers: ClinVar variation 813912 (VCV000813912.1), dbSNP rs746285672, ClinGen allele CA8912804.

ClinVar aggregate classification (germline): Uncertain significance (1 of 4 stars; one submission).

Conditions:
Niemann-Pick disease, type C1. Also called: NIEMANN-PICK DISEASE, VARIANT TYPE C1; NEUROVISCERAL STORAGE DISEASE WITH VERTICAL SUPRANUCLEAR OPHTHALMOPLEGIA; NIEMANN-PICK DISEASE WITH CHOLESTEROL ESTERIFICATION BLOCK; NIEMANN-PICK DISEASE WITHOUT SPHINGOMYELINASE DEFICIENCY; NIEMANN-PICK DISEASE, CHRONIC NEURONOPATHIC FORM. Identifiers: Orphanet 646, MedGen C3179455, MONDO:0009757, OMIM 257220.

Allele frequency attached by ClinVar (database versions not stated): ExAC 0.00001.
gnomAD v4.1: 2 of 1,614,164 alleles (0.00012%); highest among the groups gnomAD compares: South Asian, 0.0022%; no homozygotes.

Submission:

Broad Center for Mendelian Genomics, Broad Institute of MIT and Harvard
Classification: Uncertain significance for Niemann-Pick disease, type C1. Last evaluated: 2018-12-03. Review status: criteria provided, single submitter. Criteria: ACMG Guidelines, 2015. Collection method: research. Allele origin: germline. Inheritance: Autosomal recessive inheritance. Affected: yes.
Comment: The p.Thr1098Ile variant in NPC1 has not been previously reported in individuals with Niemann-Pick disease but has been identified in 0.003249% (1/30780) of South Asian chromosomes by the Genome Aggregation Database (gnomAD; dbSNP rs746285672). Although this variant has been seen in the general population, its frequency is low enough to be consistent with a recessive carrier frequency. Computational prediction tools and conservation analyses suggest that this variant may impact the protein, though this information is not predictive enough to determine pathogenicity. In summary, the clinical significance of the p.Thr1098Ile variant is uncertain. ACMG/AMP Criteria applied: PM2, PP3 (Richards 2015).